The following is an entry in ClinVar:

ClinVar aggregate classification (germline): Likely pathogenic (1 of 4 stars; one submission).

Allele frequency attached by ClinVar (database versions not stated): gnomAD exomes below 0.00001.
gnomAD v4.1: 3 of 1,612,982 alleles (0.00019%); highest among the groups gnomAD compares: Admixed American, 0.0033%; no homozygotes.

Submission:

Labcorp Genetics (formerly Invitae), Labcorp
Classification: Likely pathogenic. Last evaluated: 2024-06-11. Review status: criteria provided, single submitter. Criteria: Invitae Variant Classification Sherloc (09022015). Collection method: clinical testing. Allele origin: germline.
Comment: This sequence change affects an acceptor splice site in intron 13 of the LPIN1 gene. It is expected to disrupt RNA splicing. Variants that disrupt the donor or acceptor splice site typically lead to a loss of protein function (PMID: 16199547), and loss-of-function variants in LPIN1 are known to be pathogenic (PMID: 18817903, 20583302, 22481384, 26111941). This variant is present in population databases (no rsID available, gnomAD 0.006%). This variant has not been reported in the literature in individuals affected with LPIN1-related conditions. Algorithms developed to predict the effect of sequence changes on RNA splicing suggest that this variant may disrupt the consensus splice site. In summary, the currently available evidence indicates that the variant is pathogenic, but additional data are needed to prove that conclusively. Therefore, this variant has been classified as Likely Pathogenic.

Literature cited by the submitters: PubMed 16199547; PubMed 18817903; PubMed 20583302; PubMed 22481384; PubMed 26111941.

NM_001349206.2(LPIN1):c.1887-2A>C

Gene: LPIN1 (lipin 1; plus strand). Cytogenetic location: 2p25.1.
Variant type: single nucleotide variant.
Coding change: c.1887-2A>C on transcript NM_001349206.2 (MANE Select); the canonical splice acceptor site of the intron before coding-DNA position 1887, A replaced by C.
Molecular consequence: splice acceptor variant.
Genome position (GRCh38, 1-based): chr2:11,802,905, A>C. VCF-style: chr2-11802905-A-C. GRCh37 (hg19) VCF-style: chr2-11943031-A-C.
Other names: c.2034-2A>C (NM_001261428.3); c.1926-2A>C (NM_001349208.2); c.1977-2A>C (NM_001349207.2); c.1797-2A>C (NM_001261427.3); c.1887-2A>C (NM_001349204.2, NM_001349205.2); c.1884-2A>C (NM_001349202.2, NM_001349203.2); c.1857-2A>C (NM_001349200.2, NM_001349201.2); c.1779-2A>C (NM_001349199.2, NM_145693.4).
Identifiers: ClinVar variation 2875781 (VCV002875781.3), dbSNP rs1301982277, ClinGen allele CA345853571.